The following is an entry in ClinVar:

NR_003051.4(RMRP):n.242dup

Gene: RMRP (RNA component of mitochondrial RNA processing endoribonuclease; minus strand). Cytogenetic location: 9p13.3.
Variant type: Duplication.
Genome position: GRCh38 VCF-style: chr9-35657777-G-GT. GRCh37 (hg19) VCF-style: chr9-35657774-G-GT.
Identifiers: ClinVar variation 2174309 (VCV002174309.1), dbSNP rs2490599756, ClinGen allele CA2580080432.
Genomic context (GRCh38, chr9:35,657,777, plus strand): 5'-AGGCTGCAGTGAGCCGTGGTCTCGGGAACAAAAAACAGCCGCGCTGAGAATGAGCCCCGT[G>GT]TGGTTGGTGCGCGGACACGCACTGCCTGCGTAACTAGAGGGAGCTGACGGATGACGCCCC-3'

ClinVar aggregate classification (germline): Uncertain significance (1 of 4 stars; one submission).

Conditions:
Anauxetic dysplasia. Identifiers: Orphanet 93347, MedGen C1846796, MONDO:0011773.

Submission:

Labcorp Genetics (formerly Invitae), Labcorp
Classification: Uncertain significance for Anauxetic dysplasia. Last evaluated: 2020-11-20. Review status: criteria provided, single submitter. Criteria: Invitae Variant Classification Sherloc (09022015). Collection method: clinical testing. Allele origin: germline.
Comment: This variant occurs in the RMRP gene, which encodes an RNA molecule that does not result in a protein product. The frequency data for this variant in the population databases is considered unreliable, as metrics indicate insufficient coverage at this position in the ExAC database. This variant has not been reported in the literature in individuals with RMRP-related conditions. Experimental studies and prediction algorithms are not available or were not evaluated, and the functional significance of this variant is currently unknown. In summary, the available evidence is currently insufficient to determine the role of this variant in disease. Therefore, it has been classified as a Variant of Uncertain Significance.